The following is an entry in ClinVar:

NM_031924.8(RSPH3):c.436C>G (p.Leu146Val)

Gene: RSPH3 (radial spoke head 3; minus strand). Cytogenetic location: 6q25.3.
Variant type: single nucleotide variant.
Coding change: c.436C>G on transcript NM_031924.8 (MANE Select); coding-DNA position 436, C replaced by G.
Protein change: p.Leu146Val; replaces leucine 146 with valine.
Molecular consequence: missense variant. On other transcripts: non-coding transcript variant (1), intron variant (1).
Genome position (GRCh38, 1-based): chr6:158,983,718, G>C on the plus strand (C>G on the coding strand, the complement: RSPH3 is on the minus strand). VCF-style: chr6-158983718-G-C. GRCh37 (hg19) VCF-style: chr6-159404750-G-C.
Other names: c.631-1030C>G (NM_001346418.1); short protein forms L146V.
Identifiers: ClinVar variation 1912416 (VCV001912416.3), dbSNP rs2484884750, ClinGen allele CA366281414.

ClinVar aggregate classification (germline): Uncertain significance (1 of 4 stars; one submission).

Conditions:
Primary ciliary dyskinesia 32. Also called: CILIARY DYSKINESIA, PRIMARY, 32, WITHOUT SITUS INVERSUS. Identifiers: Orphanet 244, MedGen C4225311, MONDO:0014657, OMIM 616481.

gnomAD v4.1: 1 of 1,612,824 alleles (0.000062%); no homozygotes.

Submission:

Labcorp Genetics (formerly Invitae), Labcorp
Classification: Uncertain significance for Primary ciliary dyskinesia 32. Last evaluated: 2022-06-19. Review status: criteria provided, single submitter. Criteria: Invitae Variant Classification Sherloc (09022015). Collection method: clinical testing. Allele origin: germline.
Comment: In summary, the available evidence is currently insufficient to determine the role of this variant in disease. Therefore, it has been classified as a Variant of Uncertain Significance. Algorithms developed to predict the effect of missense changes on protein structure and function are either unavailable or do not agree on the potential impact of this missense change (SIFT: "Tolerated"; PolyPhen-2: "Probably Damaging"; Align-GVGD: "Class C0"). This variant has not been reported in the literature in individuals affected with RSPH3-related conditions. This variant is not present in population databases (gnomAD no frequency). This sequence change replaces leucine, which is neutral and non-polar, with valine, which is neutral and non-polar, at codon 288 of the RSPH3 protein (p.Leu288Val).